The following is an entry in ClinVar:

ClinVar aggregate classification (germline): Likely pathogenic (1 of 4 stars; one submission).

Conditions:
KBG syndrome (KBGS). Also called: ANKRD11-Related KBG Syndrome. Identifiers: Orphanet 2332, MedGen C0220687, MONDO:0007846, OMIM 148050.

Submission:

Institute of Human Genetics, Heidelberg University
Classification: Likely pathogenic for KBG syndrome. Last evaluated: 2026-07-28. Review status: criteria provided, single submitter. Criteria: ACMG Guidelines, 2015. Collection method: clinical testing. Allele origin: unknown. Affected: yes. Observed: 1 variant allele.
Comment: PVS1_vs, PM2_supp

NM_013275.6(ANKRD11):c.2266del (p.Glu756fs)

Gene: ANKRD11 (ankyrin repeat domain 11; minus strand). Cytogenetic location: 16q24.3.
Variant type: Deletion.
Coding change: c.2266del on transcript NM_013275.6 (MANE Select); coding-DNA position 2266, one base deleted (G; older notation c.2266delG).
Protein change: p.Glu756fs; shifts the reading frame from glutamic acid 756.
Molecular consequence: frameshift variant.
Genome position (GRCh38, 1-based): chr16:89,284,276, C deleted on the plus strand (G on the coding strand, the reverse complement: ANKRD11 is on the minus strand). VCF-style (leftmost placement, unchanged base first): chr16-89284275-TC-T. GRCh37 (hg19) VCF-style: chr16-89350683-TC-T.
Other names: c.2266del, p.Glu756fs (NM_001256182.2, NM_001256183.2); short protein forms E756fs.
Identifiers: ClinVar variation 4884432 (VCV004884432.1).
Genomic context (GRCh38, chr16:89,284,275, plus strand): 5'-AATTTTGAGGGCCGGTCTTTTGATTTCTTCTTTCTCTCCTCTTTGTACAGTCTCAGTTTT[TC>T]TTCTTTCGGAGACTTTTCCTTCAGCGATCTCTCCTTTTCTGCTTTATTCGAACGGTCTTT-3'